The following is an entry in ClinVar:

ClinVar aggregate classification (germline): Likely pathogenic (1 of 4 stars; one submission).

Conditions:
Neurofibromatosis, type 1 (NF1). Also called: Peripheral type neurofibromatosis; Neurofibromatosis, type I; VON RECKLINGHAUSEN DISEASE; NEUROFIBROMATOSIS, TYPE I, SOMATIC. Identifiers: Orphanet 636, MedGen C0027831, MONDO:0018975, OMIM 162200. Disease mechanism: loss of function.

Submission:

Department Of Biochemistry, Hamamatsu University School Of Medicine
Classification: Likely pathogenic for Neurofibromatosis, type 1. Last evaluated: 2023-05-15. Review status: criteria provided, single submitter. Criteria: ACMG Guidelines, 2015. Collection method: research. Allele origin: de novo. Inheritance: Sporadic. Affected: yes.
Comment: Sanger sequencing confirmed that this variant was de novo. This variant was absent from the public databases, including the Genome Aggregation Database (gnomAD) v3.1.2 , ToMMo 38KJPN Allele Frequency Panel , and 82 in-house Japanese exome control data. All three variants were evolutionarily highly conserved and predicted to be deleterious by multiple pathogenicity prediction tools. Based on American College of Medical Genetics and Genomics standards and guidelines, the c.1042G>C, p.(Ala348Pro) variant in GABBR1 was classified as “likely pathogenic” (PS2, PM1, PM2, PP3).

NM_001470.4(GABBR1):c.1042G>C (p.Ala348Pro)

Gene: GABBR1 (gamma-aminobutyric acid type B receptor subunit 1; minus strand). Cytogenetic location: 6p22.1.
Variant type: single nucleotide variant.
Coding change: c.1042G>C on transcript NM_001470.4 (MANE Select); coding-DNA position 1042, G replaced by C.
Protein change: p.Ala348Pro; replaces alanine 348 with proline.
Molecular consequence: missense variant.
Genome position (GRCh38, 1-based): chr6:29,622,127, C>G on the plus strand (G>C on the coding strand, the complement: GABBR1 is on the minus strand). VCF-style: chr6-29622127-C-G. GRCh37 (hg19) VCF-style: chr6-29589904-C-G.
Other names: c.511G>C, p.Ala171Pro (NM_001319053.2); c.691G>C, p.Ala231Pro (NM_021903.3); c.856G>C, p.Ala286Pro (NM_021904.4); short protein forms A171P, A231P, A286P, A348P.
Identifiers: ClinVar variation 2502369 (VCV002502369.1), dbSNP rs2483339912, ClinGen allele CA363034829.
Genomic context (GRCh38, chr6:29,622,127, plus strand): 5'-CTCCGTAAACAGAGCCCACCACTCCCAGCCATCTGACCTTCAGGTTTTTGACGGGCACAG[C>G]TGGATCTGAGAAGAAACTCTGGCGGAAAGTAATCTCAATTCCAGCCTCCTTCACTCGTTC-3'
Protein context (NP_001461.1, residues 338-358): TFRQSFFSDP[Ala348Pro]VPVKNLKRQD